The following is an entry in ClinVar:

NM_003072.5(SMARCA4):c.419C>G (p.Ser140Cys)

Gene: SMARCA4 (SWI/SNF related BAF chromatin remodeling complex subunit ATPase 4; plus strand). Cytogenetic location: 19p13.2.
Variant type: single nucleotide variant.
Coding change: c.419C>G on transcript NM_003072.5 (MANE Select); coding-DNA position 419, C replaced by G.
Protein change: p.Ser140Cys; replaces serine 140 with cysteine.
Molecular consequence: missense variant. On other transcripts: non-coding transcript variant (1).
Genome position (GRCh38, 1-based): chr19:10,986,252, C>G. VCF-style: chr19-10986252-C-G. GRCh37 (hg19) VCF-style: chr19-11096928-C-G.
Other names: c.419C>G, p.Ser140Cys (NM_001128844.3, NM_001128845.2, NM_001128846.2 and 6 more transcripts); short protein forms S140C.
Identifiers: ClinVar variation 2710782 (VCV002710782.3), dbSNP rs2145773356, ClinGen allele CA404055886.

ClinVar aggregate classification (germline): Uncertain significance (1 of 4 stars; one submission).

Conditions:
Rhabdoid tumor predisposition syndrome 2 (RTPS2). Identifiers: Orphanet 231108, Orphanet 69077, MedGen C2750074, MONDO:0013224, OMIM 613325.

Submission:

Labcorp Genetics (formerly Invitae), Labcorp
Classification: Uncertain significance for Rhabdoid tumor predisposition syndrome 2. Last evaluated: 2024-06-11. Review status: criteria provided, single submitter. Criteria: Invitae Variant Classification Sherloc (09022015). Collection method: clinical testing. Allele origin: germline.
Comment: This sequence change replaces serine, which is neutral and polar, with cysteine, which is neutral and slightly polar, at codon 140 of the SMARCA4 protein (p.Ser140Cys). This variant is not present in population databases (gnomAD no frequency). This variant has not been reported in the literature in individuals affected with SMARCA4-related conditions. Advanced modeling of protein sequence and biophysical properties (such as structural, functional, and spatial information, amino acid conservation, physicochemical variation, residue mobility, and thermodynamic stability) performed at Invitae indicates that this missense variant is not expected to disrupt SMARCA4 protein function with a negative predictive value of 95%. In summary, the available evidence is currently insufficient to determine the role of this variant in disease. Therefore, it has been classified as a Variant of Uncertain Significance.